The following is an entry in ClinVar:

ClinVar aggregate classification (germline): Uncertain significance (1 of 4 stars; one submission).

Conditions:
Inborn genetic diseases. Identifiers: MedGen C0950123, MeSH D030342.

Submission:

Ambry Genetics
Classification: Uncertain significance for Inborn genetic diseases. Last evaluated: 2025-05-22. Review status: criteria provided, single submitter. Criteria: Ambry Variant Classification Scheme 2023. Collection method: clinical testing. Allele origin: germline.
Comment: The p.L19F variant (also known as c.57G>C), located in coding exon 1 of the ELANE gene, results from a G to C substitution at nucleotide position 57. The leucine at codon 19 is replaced by phenylalanine, an amino acid with highly similar properties. This amino acid position is conserved. In addition, this alteration is predicted to be tolerated by in silico analysis. Based on the available evidence, the clinical significance of this variant remains unclear.

NM_001972.4(ELANE):c.57G>C (p.Leu19Phe)

Gene: ELANE (elastase, neutrophil expressed; plus strand). Cytogenetic location: 19p13.3.
Variant type: single nucleotide variant.
Coding change: c.57G>C on transcript NM_001972.4 (MANE Select); coding-DNA position 57, G replaced by C.
Protein change: p.Leu19Phe; replaces leucine 19 with phenylalanine.
Molecular consequence: missense variant.
Genome position (GRCh38, 1-based): chr19:852,385, G>C. VCF-style: chr19-852385-G-C. GRCh37 (hg19) VCF-style: chr19-852385-G-C.
Other names: short protein forms L19F.
Identifiers: ClinVar variation 4017399 (VCV004017399.1).
Genomic context (GRCh38, chr19:852,385, plus strand): 5'-CACCATGACCCTCGGCCGCCGACTCGCGTGTCTTTTCCTCGCCTGTGTCCTGCCGGCCTT[G>C]CTGCTGGGGGGTGAGTTTTTGAGTCCAACCTCCCGCTGCTCCCTCTGTCCCGGGTTCTGT-3'
Protein context (NP_001963.1, residues 9-29): CLFLACVLPA[Leu19Phe]LLGGTALASE